The following is an entry in ClinVar:

NM_013335.4(GMPPA):c.816G>A (p.Arg272=)

Genes: ASIC4-AS1 (ASIC4 antisense RNA 1; minus strand), GMPPA (GDP-mannose pyrophosphorylase A; plus strand). Cytogenetic location: 2q35.
Variant type: single nucleotide variant.
Coding change: c.816G>A on transcript NM_013335.4 (MANE Select); coding-DNA position 816, G replaced by A.
Protein change: p.Arg272=; no amino-acid change (arginine 272 retained).
Molecular consequence: synonymous variant.
Genome position (GRCh38, 1-based): chr2:219,505,518, G>A. VCF-style: chr2-219505518-G-A. GRCh37 (hg19) VCF-style: chr2-220370240-G-A.
Other names: c.816G>A, p.Arg272= (NM_205847.3).
Identifiers: ClinVar variation 386933 (VCV000386933.1), dbSNP rs369505327, ClinGen allele CA2128299.

ClinVar aggregate classification (germline): Likely benign (1 of 4 stars; one submission).

Allele frequency attached by ClinVar (database versions not stated): gnomAD 0.00003; TOPMed 0.00003; ESP Exome Variant Server 0.00008; ExAC 0.00003; gnomAD exomes 0.00003.
gnomAD v4.1: 50 of 1,572,630 alleles (0.0032%); highest among the groups gnomAD compares: Middle Eastern, 0.05%; no homozygotes.

Submission:

GeneDx
Classification: Likely benign. Last evaluated: 2016-06-28. Review status: criteria provided, single submitter. Criteria: GeneDx Variant Classification (06012015). Collection method: clinical testing. Allele origin: germline. Affected: yes.
Comment: This variant is considered likely benign or benign based on one or more of the following criteria: it is a conservative change, it occurs at a poorly conserved position in the protein, it is predicted to be benign by multiple in silico algorithms, and/or has population frequency not consistent with disease.